The following is an entry in ClinVar:

ClinVar aggregate classification (germline): Pathogenic (1 of 4 stars; one submission).

Conditions:
Inborn genetic diseases. Identifiers: MedGen C0950123, MeSH D030342.

Submission:

Ambry Genetics
Classification: Pathogenic for Inborn genetic diseases. Last evaluated: 2023-05-02. Review status: criteria provided, single submitter. Criteria: Ambry Variant Classification Scheme 2023. Collection method: clinical testing. Allele origin: germline.
Comment: The c.8801_8802delAG (p.Q2934Lfs*14) alteration, located in exon 55 (coding exon 55) of the DST gene, consists of a deletion of 2 nucleotides from position 8801 to 8802, causing a translational frameshift with a predicted alternate stop codon after 14 amino acids. This alteration is expected to result in loss of function by premature protein truncation or nonsense-mediated mRNA decay. Based on the available evidence, the DST c.8801_8802delAG (p.Q2934Lfs*14) alteration is classified as pathogenic for DST-related sensory and autonomic neuropathy; however, this variant is unlikely to be causative of DST-related epidermolysis bullosa simplex. This variant was not reported in population-based cohorts in the Genome Aggregation Database (gnomAD). Based on the available evidence, this alteration is classified as pathogenic.

NM_001374736.1(DST):c.15158_15159del (p.Gln5053fs)

Gene: DST (dystonin; minus strand). Cytogenetic location: 6p12.1.
Variant type: Deletion.
Coding change: c.15158_15159del on transcript NM_001374736.1 (MANE Select); coding-DNA positions 15158 to 15159, 2 bases deleted (AG; older notation c.15158_15159delAG).
Protein change: p.Gln5053fs; shifts the reading frame from glutamine 5053.
Molecular consequence: frameshift variant.
Genome position (GRCh38, 1-based): chr6:56,553,633-56,553,634, CT deleted on the plus strand (AG on the coding strand, the reverse complement: DST is on the minus strand). VCF-style (leftmost placement, unchanged base first): chr6-56553632-ACT-A. GRCh37 (hg19) VCF-style: chr6-56418430-ACT-A.
Other names: c.8801_8802del, p.Gln2934fs (NM_001144769.5); c.8387_8388del, p.Gln2796fs (NM_001144770.2); c.15158_15159del, p.Gln5053fs (NM_001374722.1); c.14525_14526del, p.Gln4842fs (NM_001374729.1); c.8267_8268del, p.Gln2756fs (NM_001374730.1, NM_001386100.1, NM_183380.4); c.15185_15186del, p.Gln5062fs (NM_001374734.1); c.7289_7290del, p.Gln2430fs (NM_015548.5); short protein forms Q4842fs, Q5053fs, Q5062fs, Q2756fs, Q2430fs, Q2796fs, Q2934fs.
Identifiers: ClinVar variation 2535812 (VCV002535812.2), dbSNP rs2535343546, ClinGen allele CA2580617267.